The following is an entry in ClinVar:

ClinVar aggregate classification (germline): Pathogenic (1 of 4 stars; one submission).

Submission:

Labcorp Genetics (formerly Invitae), Labcorp
Classification: Pathogenic. Last evaluated: 2019-10-15. Review status: criteria provided, single submitter. Criteria: Invitae Variant Classification Sherloc (09022015). Collection method: clinical testing. Allele origin: germline.
Comment: For these reasons, this variant has been classified as Pathogenic. Loss-of-function variants in PHEX are known to be pathogenic (PMID: 9097956, 9106524, 19219621). This variant has not been reported in the literature in individuals with PHEX-related conditions. This variant is not present in population databases (ExAC no frequency). This sequence change creates a premature translational stop signal (p.Val103Phefs*5) in the PHEX gene. It is expected to result in an absent or disrupted protein product.

Literature cited by the submitters: PubMed 9097956; PubMed 9106524; PubMed 19219621.

NM_000444.6(PHEX):c.307del (p.Val103fs)

Gene: PHEX (phosphate regulating endopeptidase X-linked; plus strand). Cytogenetic location: Xp22.11.
Variant type: Deletion.
Coding change: c.307del on transcript NM_000444.6 (MANE Select); coding-DNA position 307, one base deleted (G; older notation c.307delG).
Protein change: p.Val103fs; shifts the reading frame from valine 103.
Molecular consequence: frameshift variant.
Genome position (GRCh38, 1-based): chrX:22,047,169, G deleted; the last of 4 consecutive G bases (chrX:22,047,166-22,047,169); deleting any one gives the same sequence. VCF-style (leftmost placement, unchanged base first): chrX-22047165-TG-T. GRCh37 (hg19) VCF-style: chrX-22065283-TG-T.
Other names: c.307del, p.Val103fs (NM_001282754.2); short protein forms V103fs.
Identifiers: ClinVar variation 969221 (VCV000969221.7), dbSNP rs1927580964, ClinGen allele CA1139667281.
Genomic context (GRCh38, chrX:22,047,165, plus strand): 5'-CCGGTTCGCTTGTGATGGCTGGATAAGCAATAATCCAATTCCCGAAGATATGCCAAGCTA[TG>T]GGGTTTATCCTTGGCTGAGACATAATGTTGACCTCAAGTTGAAGGGTAAGTTTCTACTGG-3'